The following is an entry in ClinVar:

NM_000540.3(RYR1):c.13012del (p.Ala4338fs)

Gene: RYR1 (ryanodine receptor 1; plus strand). Cytogenetic location: 19q13.2.
Variant type: Deletion.
Coding change: c.13012del on transcript NM_000540.3 (MANE Select); coding-DNA position 13012, one base deleted (G; older notation c.13012delG).
Protein change: p.Ala4338fs; shifts the reading frame from alanine 4338.
Molecular consequence: frameshift variant.
Genome position (GRCh38, 1-based): chr19:38,565,346, G deleted; the last of 3 consecutive G bases (chr19:38,565,344-38,565,346); deleting any one gives the same sequence. VCF-style (leftmost placement, unchanged base first): chr19-38565343-TG-T. GRCh37 (hg19) VCF-style: chr19-39055983-TG-T.
Other names: c.12997del, p.Ala4333fs (NM_001042723.2); short protein forms A4338fs, A4333fs.
Identifiers: ClinVar variation 1415967 (VCV001415967.6), dbSNP rs2145845243, ClinGen allele CA2573156324.

ClinVar aggregate classification (germline): Pathogenic (1 of 4 stars; one submission).

Conditions:
RYR1-related disorder. Also called: RYR1-related condition; RYR1-related disorders. Identifiers: MedGen CN239331.

Submission:

Labcorp Genetics (formerly Invitae), Labcorp
Classification: Pathogenic for RYR1-related disorder. Last evaluated: 2021-02-05. Review status: criteria provided, single submitter. Criteria: Invitae Variant Classification Sherloc (09022015). Collection method: clinical testing. Allele origin: germline.
Comment: For these reasons, this variant has been classified as Pathogenic. This variant has not been reported in the literature in individuals with RYR1-related conditions. The frequency data for this variant in the population databases is considered unreliable, as metrics indicate insufficient coverage at this position in the ExAC database. This sequence change creates a premature translational stop signal (p.Ala4338Glnfs*3) in the RYR1 gene. It is expected to result in an absent or disrupted protein product. Loss-of-function variants in RYR1 are known to be pathogenic (PMID: 20583297, 20839240, 23919265, 28818389).

Literature cited by the submitters: PubMed 20583297; PubMed 20839240; PubMed 23919265; PubMed 28818389.